The following continues an entry in ClinVar:

NM_003718.5(CDK13):c.2525A>G (p.Asn842Ser)

Gene: CDK13. ClinVar aggregate classification (germline): Pathogenic/Likely pathogenic. Pathogenic (22); Likely pathogenic (1).

Submissions 15 to 31 of 31:

Victorian Clinical Genetics Services, Murdoch Childrens Research Institute
Classification: Pathogenic for Congenital heart defects, dysmorphic facial features, and intellectual developmental disorder. Last evaluated: 2022-02-02. Review status: criteria provided, single submitter. Criteria: ACMG Guidelines, 2015. Collection method: clinical testing. Allele origin: germline. Inheritance: Autosomal dominant inheritance. Affected: yes.
Comment: Based on the classification scheme VCGS_Germline_v1.3.4, this variant is classified as Pathogenic. Following criteria are met: 0105 - The mechanism of disease for this gene is not clearly established. However, haploinsufficiency, dominant negative and gain of function have been suggested in the literature (PMIDs: 30904094, 29393965, 28807008) (I) 0107 - This gene is associated with autosomal dominant disease. (I) 0200 - Variant is predicted to result in a missense amino acid change from asparagine to serine. (I) 0251 - This variant is heterozygous. (I) 0301 - Variant is absent from gnomAD (both v2 and v3). (SP) 0501 - Missense variant consistently predicted to be damaging by multiple in silico tools or highly conserved with a major amino acid change. (SP) 0602 - Variant is located in a hotspot region or cluster of pathogenic variants. This variant is located in the protein kinase domain (PDB), where disease-associated missense variants are clustered (DECIPHER). (SP) 0801 - This variant has strong previous evidence of pathogenicity in unrelated individuals. The variant has been reported in many patients and shown to be de novo in multiple patients (ClinVar, Deciphering Developmental Disorders (DDD) Study). (SP) 1208 - Inheritance information for this variant is not currently available in this individual. (I) Legend: (SP) - Supporting pathogenic, (I) - Information, (SB) - Supporting benign

CeGaT Center for Human Genetics Tuebingen
Classification: Pathogenic. Last evaluated: 2021-11-01. Review status: criteria provided, single submitter. Criteria: CeGaT Center For Human Genetics Tuebingen Variant Classification Criteria Version 2. Collection method: clinical testing. Allele origin: germline. Affected: yes. Observed: 1 variant allele.

Fulgent Genetics
Classification: Pathogenic for Congenital heart defects, dysmorphic facial features, and intellectual developmental disorder. Last evaluated: 2021-09-22. Review status: criteria provided, single submitter. Criteria: ACMG Guidelines, 2015. Collection method: clinical testing. Allele origin: unknown.

Genetics and Molecular Pathology, SA Pathology
Classification: Pathogenic for Congenital heart defects, dysmorphic facial features, and intellectual developmental disorder. Last evaluated: 2021-05-12. Review status: criteria provided, single submitter. Criteria: ACMG Guidelines, 2015. Collection method: clinical testing. Allele origin: germline. Inheritance: Autosomal dominant inheritance. Affected: yes.
Comment: The CDK13 c.2525A>G variant is classified as PATHOGENIC (PS4, PS2, PP3) The CDK13 c.2525A>G variant is a single nucleotide change in exon 6 of the CDK13 gene, which is predicted to change the amino acid asparagine at position 842 in the protein to serine. This recurrent variant has been identified in multiple individuals with global developmental delay or intellectual disability and dysmorphic features, with or without congenital heart defects, hypotonia or hearing loss (PMID:27479907, PMID:29021403, PMID:29222009) (PS4). A number of these cases have been shown to be de novo (PMID:28807008) (PS2). This variant is in dbSNP (rs878853160) but is absent from population databases (PM2). This variant has been reported in ClinVar as Pathogenic by multiple other diagnostic laboratories (Variation ID:235887), and has been reported as damaging for congenital heart disease, developmental delay and intellectual disability in HGMD (CM1610451). Computational predictions support a deleterious effect on the gene or gene product (PP3).

Equipe Genetique des Anomalies du Developpement, Université de Bourgogne
Classification: Pathogenic for Congenital heart defects, dysmorphic facial features, and intellectual developmental disorder. Last evaluated: 2020-07-22. Review status: criteria provided, single submitter. Criteria: ACMG Guidelines, 2015. Collection method: clinical testing. Allele origin: de novo. Affected: yes.

Laboratory of Molecular Genetics (Pr. Bezieau's lab), CHU de Nantes
Classification: Pathogenic. Last evaluated: 2018-09-14. Review status: criteria provided, single submitter. Criteria: ACMG Guidelines, 2015. Collection method: clinical testing. Allele origin: germline. Affected: yes.

HudsonAlpha Institute for Biotechnology
Classification: Pathogenic for Congenital heart defects, dysmorphic facial features, and intellectual developmental disorder. Last evaluated: 2016-05-12. Review status: criteria provided, single submitter. Criteria: HA_assertions_20161101. Collection method: research. Allele origin: de novo. Affected: yes. Observed: 1 variant allele. Study: CSER-HudsonAlpha.

Equipe Genetique des Anomalies du Developpement, Université de Bourgogne
Classification: Likely pathogenic for Marfanoid habitus and intellectual disability. Review status: criteria provided, single submitter. Criteria: ACMG Guidelines, 2015. Collection method: research. Allele origin: de novo. Affected: yes.

Equipe Genetique des Anomalies du Developpement, Université de Bourgogne
Classification: Pathogenic for Global developmental delay. Review status: criteria provided, single submitter. Criteria: ACMG Guidelines, 2015. Collection method: clinical testing. Allele origin: de novo. Affected: yes.

OMIM
Classification: Pathogenic for CONGENITAL HEART DEFECTS, DYSMORPHIC FACIAL FEATURES, AND INTELLECTUAL DEVELOPMENTAL DISORDER. Last evaluated: 2024-02-15. Review status: no assertion criteria provided. Collection method: literature only. Allele origin: germline. Not counted in ClinVar's aggregate classification.

Service de Génétique Moléculaire, Hôpital Robert Debré
Classification: Pathogenic for Congenital heart defects, dysmorphic facial features, and intellectual developmental disorder. Last evaluated: 2020-09-03. Review status: no assertion criteria provided. Collection method: clinical testing. Allele origin: unknown. Affected: yes. Not counted in ClinVar's aggregate classification.

Department of Genetics, Rouen University Hospital, Normandy Center for Genomic and Personalized Medicine
Classification: Pathogenic for Congenital heart defects, dysmorphic facial features, and intellectual developmental disorder. Last evaluated: 2020-06-10. Review status: no assertion criteria provided. Collection method: clinical testing. Allele origin: de novo. Affected: yes. Not counted in ClinVar's aggregate classification.

Diagnostic Laboratory, Department of Genetics, University Medical Center Groningen
Classification: Pathogenic. Review status: no assertion criteria provided. Collection method: clinical testing. Allele origin: germline. Affected: yes. Study: VKGL Data-share Consensus. Not counted in ClinVar's aggregate classification.

GeneReviews
No classification provided. Condition: Congenital heart defects, dysmorphic facial features, and intellectual developmental disorder. Review status: no classification provided. Collection method: literature only. Allele origin: germline. Not counted in ClinVar's aggregate classification.

Genome Diagnostics Laboratory, Amsterdam University Medical Center
Classification: Pathogenic. Review status: no assertion criteria provided. Collection method: clinical testing. Allele origin: germline. Affected: yes. Study: VKGL Data-share Consensus. Not counted in ClinVar's aggregate classification.

Joint Genome Diagnostic Labs from Nijmegen and Maastricht, Radboudumc and MUMC+
Classification: Pathogenic. Review status: no assertion criteria provided. Collection method: clinical testing. Allele origin: germline. Affected: yes. Study: VKGL Data-share Consensus. Not counted in ClinVar's aggregate classification.

Laboratory of Diagnostic Genome Analysis, Leiden University Medical Center (LUMC)
Classification: Pathogenic. Review status: no assertion criteria provided. Collection method: clinical testing. Allele origin: germline. Affected: yes. Study: VKGL Data-share Consensus. Not counted in ClinVar's aggregate classification.

Literature cited by the submitters: PubMed 27479907 (cited by 4 submitters); PubMed 29021403 (cited by 3 submitters); PubMed 28807008 (cited by 7 submitters); PubMed 28135719 (cited by Ambry Genetics); PubMed 29222009 (cited by 3 submitters); PubMed 30904094 (cited by Ambry Genetics and Victorian Clinical Genetics Services, Murdoch Childrens Research Institute); PubMed 29393965 (cited by Clinical Genetics Laboratory, University Hospital Schleswig-Holstein and Victorian Clinical Genetics Services, Murdoch Childrens Research Institute); NCBI Bookshelf NBK536784 (cited by GeneReviews); PubMed 30702837 (cited by GeneReviews).